The following is an entry in ClinVar:

NM_000238.4(KCNH2):c.1081C>T (p.Pro361Ser)

Gene: KCNH2 (potassium voltage-gated channel subfamily H member 2; minus strand). Cytogenetic location: 7q36.1.
Variant type: single nucleotide variant.
Coding change: c.1081C>T on transcript NM_000238.4 (MANE Select); coding-DNA position 1081, C replaced by T.
Protein change: p.Pro361Ser; replaces proline 361 with serine.
Molecular consequence: missense variant.
Genome position (GRCh38, 1-based): chr7:150,957,338, G>A on the plus strand (C>T on the coding strand, the complement: KCNH2 is on the minus strand). VCF-style: chr7-150957338-G-A. GRCh37 (hg19) VCF-style: chr7-150654426-G-A.
Other names: c.793C>T, p.Pro265Ser (NM_001406753.1, NM_001406756.1); c.904C>T, p.Pro302Ser (NM_001406755.1); c.781C>T, p.Pro261Ser (NM_001406757.1); c.1081C>T, p.Pro361Ser (NM_172056.3); short protein forms P361S, P261S, P265S, P302S.
Identifiers: ClinVar variation 456878 (VCV000456878.9), dbSNP rs1293901043, ClinGen allele CA369861510.
Genomic context (GRCh38, chr7:150,957,338, plus strand): 5'-GCTGGGCGCCTACCTGGGTGACCTTCTCAGTGACATTGTGGGTTCGCTCCTTTATCTTAG[G>A]TGCTATGATCTCACGGTCACTGGTGGGCGAAGCCAAGAAGGGGTCGCCCTTGAGGTCCAC-3'
Protein context (NP_000229.1, residues 351-371): SPTSDREIIA[Pro361Ser]KIKERTHNVT

ClinVar aggregate classification (germline): Uncertain significance (1 of 4 stars; one submission).

Conditions:
Long QT syndrome (LQTS). Identifiers: MedGen C0023976, MeSH D008133, MONDO:0002442. Disease mechanism: loss of function. Inheritance: Various modes of inheritance.

Allele frequency attached by ClinVar (database versions not stated): TOPMed below 0.00001.

Submission:

Labcorp Genetics (formerly Invitae), Labcorp
Classification: Uncertain significance for Long QT syndrome. Last evaluated: 2017-05-14. Review status: criteria provided, single submitter. Criteria: Invitae Variant Classification Sherloc (09022015). Collection method: clinical testing. Allele origin: germline.
Comment: In summary, this variant is a novel missense change with uncertain impact on protein function. It has been classified as a Variant of Uncertain Significance. Algorithms developed to predict the effect of missense changes on protein structure and function do not agree on the potential impact of this missense change (SIFT: "Deleterious"; PolyPhen-2: "Probably Damaging"; Align-GVGD: "Class C0"). This variant is not present in population databases (ExAC no frequency) and has not been reported in the literature in individuals with a KCNH2-related disease. This sequence change replaces proline with serine at codon 361 of the KCNH2 protein (p.Pro361Ser). The proline residue is moderately conserved and there is a moderate physicochemical difference between proline and serine.